The following is an entry in ClinVar:

NM_001371596.2(MFSD8):c.820G>A (p.Val274Ile)

Gene: MFSD8 (major facilitator superfamily domain containing 8; minus strand). Cytogenetic location: 4q28.2.
Variant type: single nucleotide variant.
Coding change: c.820G>A on transcript NM_001371596.2 (MANE Select); coding-DNA position 820, G replaced by A.
Protein change: p.Val274Ile; replaces valine 274 with isoleucine.
Molecular consequence: missense variant.
Genome position (GRCh38, 1-based): chr4:127,933,028, C>T on the plus strand (G>A on the coding strand, the complement: MFSD8 is on the minus strand). VCF-style: chr4-127933028-C-T. GRCh37 (hg19) VCF-style: chr4-128854183-C-T.
Other names: c.619G>A, p.Val207Ile (NM_001363520.3); c.505G>A, p.Val169Ile (NM_001363521.3); c.685G>A, p.Val229Ile (NM_001371590.2); c.820G>A, p.Val274Ile (NM_001371591.2, NM_152778.4); c.826G>A, p.Val276Ile (NM_001371592.2); c.706G>A, p.Val236Ile (NM_001371593.2, NM_001410766.1); c.673G>A, p.Val225Ile (NM_001371594.2); c.538G>A, p.Val180Ile (NM_001371595.1); and 1 more; short protein forms V229I, V274I, V207I, V169I, V180I, V225I, V236I, V276I.
Identifiers: ClinVar variation 1362445 (VCV001362445.7), dbSNP rs745354809, ClinGen allele CA3077367.

ClinVar aggregate classification (germline): Uncertain significance (1 of 4 stars; one submission).

Conditions:
Neuronal ceroid lipofuscinosis 7 (CLN7). Also called: MFSD8-Related Neuronal Ceroid-Lipofuscinosis. Identifiers: Orphanet 168491, Orphanet 228366, MedGen C1838571, MONDO:0012588, OMIM 610951.

Allele frequency attached by ClinVar (database versions not stated): gnomAD exomes below 0.00001; ExAC 0.00001.
gnomAD v4.1: 6 of 1,613,772 alleles (0.00037%); highest among the groups gnomAD compares: Middle Eastern, 0.017%; no homozygotes.

Submission:

Labcorp Genetics (formerly Invitae), Labcorp
Classification: Uncertain significance for Neuronal ceroid lipofuscinosis 7. Last evaluated: 2025-07-30. Review status: criteria provided, single submitter. Criteria: Invitae Variant Classification Sherloc (09022015). Collection method: clinical testing. Allele origin: germline.
Comment: This sequence change replaces valine, which is neutral and non-polar, with isoleucine, which is neutral and non-polar, at codon 274 of the MFSD8 protein (p.Val274Ile). This variant is present in population databases (rs745354809, gnomAD 0.003%). This variant has not been reported in the literature in individuals affected with MFSD8-related conditions. ClinVar contains an entry for this variant (Variation ID: 1362445). Invitae Evidence Modeling of protein sequence and biophysical properties (such as structural, functional, and spatial information, amino acid conservation, physicochemical variation, residue mobility, and thermodynamic stability) indicates that this missense variant is not expected to disrupt MFSD8 protein function with a negative predictive value of 80%. In summary, the available evidence is currently insufficient to determine the role of this variant in disease. Therefore, it has been classified as a Variant of Uncertain Significance.